The following is an entry in ClinVar:

NM_003640.5(ELP1):c.3952C>A (p.Pro1318Thr)

Gene: ELP1 (elongator acetyltransferase complex subunit 1; minus strand). Cytogenetic location: 9q31.3.
Variant type: single nucleotide variant.
Coding change: c.3952C>A on transcript NM_003640.5 (MANE Select); coding-DNA position 3952, C replaced by A.
Protein change: p.Pro1318Thr; replaces proline 1318 with threonine.
Molecular consequence: missense variant.
Genome position (GRCh38, 1-based): chr9:108,869,162, G>T on the plus strand (C>A on the coding strand, the complement: ELP1 is on the minus strand). VCF-style: chr9-108869162-G-T. GRCh37 (hg19) VCF-style: chr9-111631442-G-T.
Other names: c.3610C>A, p.Pro1204Thr (NM_001318360.2); c.2905C>A, p.Pro969Thr (NM_001330749.2); short protein forms P1204T, P1318T, P969T.
Identifiers: ClinVar variation 1469825 (VCV001469825.9), dbSNP rs757781758, ClinGen allele CA5174113.

ClinVar aggregate classification (germline): Uncertain significance. Review status: criteria provided, multiple submitters, no conflicts (2 of 4 stars). 3 submissions from 3 submitters: Uncertain significance (3). Last evaluated 2025-03-15.

Allele frequency attached by ClinVar (database versions not stated): gnomAD exomes below 0.00001 and 0.00001; ExAC 0.00002.
gnomAD v4.1: 6 of 1,614,108 alleles (0.00037%); highest among the groups gnomAD compares: Non-Finnish European, 0.00051%; no homozygotes.

Submissions (3):

Ambry Genetics
Classification: Uncertain significance. Last evaluated: 2025-03-15. Review status: criteria provided, single submitter. Criteria: Ambry Variant Classification Scheme 2023. Collection method: clinical testing. Allele origin: germline.

Blueprint Genetics
Classification: Uncertain significance. Last evaluated: 2024-02-22. Review status: criteria provided, single submitter. Criteria: ACMG Guidelines, 2015. Collection method: clinical testing. Allele origin: germline.

Labcorp Genetics (formerly Invitae), Labcorp
Classification: Uncertain significance. Last evaluated: 2022-10-13. Review status: criteria provided, single submitter. Criteria: Invitae Variant Classification Sherloc (09022015). Collection method: clinical testing. Allele origin: germline.
Comment: This sequence change replaces proline, which is neutral and non-polar, with threonine, which is neutral and polar, at codon 1318 of the ELP1 protein (p.Pro1318Thr). This variant is present in population databases (rs757781758, gnomAD 0.002%). This variant has not been reported in the literature in individuals affected with ELP1-related conditions. ClinVar contains an entry for this variant (Variation ID: 1469825). Algorithms developed to predict the effect of missense changes on protein structure and function (SIFT, PolyPhen-2, Align-GVGD) all suggest that this variant is likely to be disruptive. In summary, the available evidence is currently insufficient to determine the role of this variant in disease. Therefore, it has been classified as a Variant of Uncertain Significance.